The following is an entry in ClinVar:

NM_001384140.1(PCDH15):c.1108G>A (p.Asp370Asn)

Gene: PCDH15 (protocadherin related 15; minus strand). Cytogenetic location: 10q21.1.
Variant type: single nucleotide variant.
Coding change: c.1108G>A on transcript NM_001384140.1 (MANE Select); coding-DNA position 1108, G replaced by A.
Protein change: p.Asp370Asn; replaces aspartic acid 370 with asparagine.
Molecular consequence: missense variant.
Genome position (GRCh38, 1-based): chr10:54,195,880, C>T on the plus strand (G>A on the coding strand, the complement: PCDH15 is on the minus strand). VCF-style: chr10-54195880-C-T. GRCh37 (hg19) VCF-style: chr10-55955640-C-T.
Other names: c.1123G>A, p.Asp375Asn (NM_001142763.2, NM_001142769.4, NM_001142771.2); c.1108G>A, p.Asp370Asn (NM_001142764.2, NM_001142765.2, NM_001142766.2 and 7 more transcripts); c.997G>A, p.Asp333Asn (NM_001142767.2); c.1042G>A, p.Asp348Asn (NM_001142768.2, NM_001142773.2, NM_001354404.2); short protein forms D370N, D333N, D348N, D375N.
Identifiers: ClinVar variation 1437243 (VCV001437243.5), dbSNP rs1482209592, ClinGen allele CA376519812.
Genomic context (GRCh38, chr10:54,195,880, plus strand): 5'-TGTTTTCATCCAGTATTTCAATGTGTAGACCGGCAAAGGCAGGAAGAGGATGACCATTGT[C>T]TTGTTCAGCCTAAAATTGAAAAGAAAAGAAAATATTTAGAAAGTATATGTCGTGCTATCT-3'
Protein context (NP_001371069.1, residues 360-380): KFDLVIKAEQ[Asp370Asn]NGHPLPAFAG

ClinVar aggregate classification (germline): Uncertain significance (1 of 4 stars; one submission).

Allele frequency attached by ClinVar (database versions not stated): gnomAD 0.00001; gnomAD exomes 0.00001 and 0.00002; TOPMed 0.00001.
gnomAD v4.1: 24 of 1,613,054 alleles (0.0015%); highest among the groups gnomAD compares: African/African-American, 0.0027%; no homozygotes.

Submission:

Labcorp Genetics (formerly Invitae), Labcorp
Classification: Uncertain significance. Last evaluated: 2021-09-24. Review status: criteria provided, single submitter. Criteria: Invitae Variant Classification Sherloc (09022015). Collection method: clinical testing. Allele origin: germline.
Comment: This sequence change replaces aspartic acid with asparagine at codon 370 of the PCDH15 protein (p.Asp370Asn). The aspartic acid residue is highly conserved and there is a small physicochemical difference between aspartic acid and asparagine. This variant is not present in population databases (ExAC no frequency). This variant has not been reported in the literature in individuals with PCDH15-related conditions. Algorithms developed to predict the effect of missense changes on protein structure and function are either unavailable or do not agree on the potential impact of this missense change (SIFT: "Tolerated"; PolyPhen-2: "Probably Damaging"; Align-GVGD: "Class C0"). In summary, the available evidence is currently insufficient to determine the role of this variant in disease. Therefore, it has been classified as a Variant of Uncertain Significance.